The following is an entry in ClinVar:

NM_194277.3(FRMD7):c.1938_1940del (p.Ala647del)

Gene: FRMD7 (FERM domain containing 7; minus strand). Cytogenetic location: Xq26.2.
Variant type: Deletion.
Coding change: c.1938_1940del on transcript NM_194277.3 (MANE Select); coding-DNA positions 1938 to 1940, 3 bases deleted (AGC; older notation c.1938_1940delAGC).
Protein change: p.Ala647del; deletes alanine 647.
Molecular consequence: inframe deletion.
Genome position (GRCh38, 1-based): chrX:132,078,077-132,078,079, GCT deleted on the plus strand (AGC on the coding strand, the reverse complement: FRMD7 is on the minus strand). VCF-style (leftmost placement, unchanged base first): chrX-132078076-AGCT-A. GRCh37 (hg19) VCF-style: chrX-131212104-AGCT-A.
Other names: c.1893_1895del, p.Ala632del (NM_001306193.2); short protein forms A632del, A647del.
Identifiers: ClinVar variation 1992573 (VCV001992573.4), dbSNP rs2520690848, ClinGen allele CA2580101520.

ClinVar aggregate classification (germline): Uncertain significance (1 of 4 stars; one submission).

Allele frequency attached by ClinVar (database versions not stated): gnomAD exomes below 0.00001.

Submission:

Labcorp Genetics (formerly Invitae), Labcorp
Classification: Uncertain significance. Last evaluated: 2022-05-09. Review status: criteria provided, single submitter. Criteria: Invitae Variant Classification Sherloc (09022015). Collection method: clinical testing. Allele origin: germline.
Comment: In summary, the available evidence is currently insufficient to determine the role of this variant in disease. Therefore, it has been classified as a Variant of Uncertain Significance. Experimental studies and prediction algorithms are not available or were not evaluated, and the functional significance of this variant is currently unknown. This variant has not been reported in the literature in individuals affected with FRMD7-related conditions. This variant is not present in population databases (gnomAD no frequency). This variant, c.1938_1940del, results in the deletion of 1 amino acid(s) of the FRMD7 protein (p.Ala647del), but otherwise preserves the integrity of the reading frame.